The following is an entry in ClinVar:

ClinVar aggregate classification (germline): Conflicting classifications of pathogenicity. Review status: criteria provided, conflicting classifications (1 of 4 stars). 2 submissions from 2 submitters: Likely pathogenic (1); Uncertain significance (1). Last evaluated 2026-03-24.

Conditions:
Intellectual disability, autosomal dominant 14 (CSS2). Also called: COFFIN-SIRIS SYNDROME 2. Identifiers: Orphanet 1465, MedGen C3553247, MONDO:0013819, OMIM 614607.

gnomAD v4.1: 27 of 1,613,218 alleles (0.0017%); highest among the groups gnomAD compares: Middle Eastern, 0.016%; no homozygotes.

Submissions (2):

Dasa
Classification: Uncertain significance for Intellectual disability, autosomal dominant 14. Last evaluated: 2026-03-24. Review status: criteria provided, single submitter. Criteria: DASA Assertion Criteria. Collection method: clinical testing. Allele origin: germline.
Comment: NM_006015.6(ARID1A):c.3977C>T (p.Pro1326Leu) is a missense variant that results in the substitution of proline with leucine. This variant is rare in population databases. Computational prediction algorithms are consistent with a benign effect. The currently available literature and clinical evidence are not sufficient to establish a definitive association between this variant and the reported condition. Therefore, this variant is classified as a variant of uncertain significance.

Labcorp Genetics (formerly Invitae), Labcorp
Classification: Likely pathogenic. Last evaluated: 2025-08-01. Review status: criteria provided, single submitter. Criteria: Invitae Variant Classification Sherloc (09022015). Collection method: clinical testing. Allele origin: germline.
Comment: This sequence change replaces proline, which is neutral and non-polar, with leucine, which is neutral and non-polar, at codon 1326 of the ARID1A protein (p.Pro1326Leu). This variant is present in population databases (no rsID available, gnomAD 0.01%). This missense change has been observed in individual(s) with Coffin-Siris syndrome (internal data). In at least one individual the variant was observed to be de novo. ClinVar contains an entry for this variant (Variation ID: 3615781). Invitae Evidence Modeling of protein sequence and biophysical properties (such as structural, functional, and spatial information, amino acid conservation, physicochemical variation, residue mobility, and thermodynamic stability) indicates that this missense variant is not expected to disrupt ARID1A protein function with a negative predictive value of 80%. In summary, the currently available evidence indicates that the variant is pathogenic, but additional data are needed to prove that conclusively. Therefore, this variant has been classified as Likely Pathogenic.

NM_006015.6(ARID1A):c.3977C>T (p.Pro1326Leu)

Gene: ARID1A (AT-rich interaction domain 1A; plus strand). Cytogenetic location: 1p36.11.
Variant type: single nucleotide variant.
Coding change: c.3977C>T on transcript NM_006015.6 (MANE Select); coding-DNA position 3977, C replaced by T.
Protein change: p.Pro1326Leu; replaces proline 1326 with leucine.
Molecular consequence: missense variant.
Genome position (GRCh38, 1-based): chr1:26,773,690, C>T. VCF-style: chr1-26773690-C-T. GRCh37 (hg19) VCF-style: chr1-27100181-C-T.
Other names: c.3977C>T, p.Pro1326Leu (NM_139135.4); short protein forms P1326L.
Identifiers: ClinVar variation 3615781 (VCV003615781.4).